The following is an entry in ClinVar:

ClinVar aggregate classification (germline): Likely benign (0 of 4 stars; one submission).

Conditions:
BCORL1-related disorder. Also called: BCORL1-related condition.

Allele frequency attached by ClinVar (database versions not stated): TOPMed 0.00005; ExAC 0.00014; gnomAD 0.00018; gnomAD exomes 0.00034; 1000 Genomes Project 30x 0.00104; 1000 Genomes Project 0.00132.
gnomAD v4.1: 375 of 1,208,892 alleles (0.031%); highest among the groups gnomAD compares: East Asian, 1.1%; 3 homozygotes.

Submission:

PreventionGenetics, part of Exact Sciences
Classification: Likely benign for BCORL1-related condition. Last evaluated: 2019-05-28. Review status: no assertion criteria provided. Collection method: clinical testing. Allele origin: germline.
Comment: This variant is classified as likely benign based on ACMG/AMP sequence variant interpretation guidelines (Richards et al. 2015 PMID: 25741868, with internal and published modifications).

NM_001379451.1(BCORL1):c.1908G>A (p.Pro636=)

Gene: BCORL1 (BCL6 corepressor like 1; plus strand). Cytogenetic location: Xq26.1.
Variant type: single nucleotide variant.
Coding change: c.1908G>A on transcript NM_001379451.1 (MANE Select); coding-DNA position 1908, G replaced by A.
Protein change: p.Pro636=; no amino-acid change (proline 636 retained).
Molecular consequence: synonymous variant.
Genome position (GRCh38, 1-based): chrX:130,014,680, G>A. VCF-style: chrX-130014680-G-A. GRCh37 (hg19) VCF-style: chrX-129148656-G-A.
Other names: c.1908G>A, p.Pro636= (NM_001184772.3, NM_001379450.1, NM_021946.5).
Identifiers: ClinVar variation 3043618 (VCV003043618.2), dbSNP rs192966850, ClinGen allele CA10514303.